The following is an entry in ClinVar:

ClinVar aggregate classification (germline): Uncertain significance. Review status: criteria provided, multiple submitters, no conflicts (2 of 4 stars). 2 submissions from 2 submitters: Uncertain significance (2). Last evaluated 2024-03-01.

Allele frequency attached by ClinVar (database versions not stated): ExAC 0.00013; 1000 Genomes Project 30x 0.00016; 1000 Genomes Project 0.00020.
gnomAD v4.1: 68 of 1,610,434 alleles (0.0042%); highest among the groups gnomAD compares: East Asian, 0.067%; no homozygotes.

Submissions (2):

Blueprint Genetics
Classification: Uncertain significance. Last evaluated: 2024-03-01. Review status: criteria provided, single submitter. Criteria: ACMG Guidelines, 2015. Collection method: clinical testing. Allele origin: germline.

Labcorp Genetics (formerly Invitae), Labcorp
Classification: Uncertain significance. Last evaluated: 2023-12-07. Review status: criteria provided, single submitter. Criteria: Invitae Variant Classification Sherloc (09022015). Collection method: clinical testing. Allele origin: germline.
Comment: This sequence change replaces proline, which is neutral and non-polar, with threonine, which is neutral and polar, at codon 1247 of the ABCC6 protein (p.Pro1247Thr). This variant is present in population databases (rs199694536, gnomAD 0.2%). This variant has not been reported in the literature in individuals affected with ABCC6-related conditions. ClinVar contains an entry for this variant (Variation ID: 1427383). Advanced modeling of protein sequence and biophysical properties (such as structural, functional, and spatial information, amino acid conservation, physicochemical variation, residue mobility, and thermodynamic stability) has been performed at Invitae for this missense variant, however the output from this modeling did not meet the statistical confidence thresholds required to predict the impact of this variant on ABCC6 protein function. In summary, the available evidence is currently insufficient to determine the role of this variant in disease. Therefore, it has been classified as a Variant of Uncertain Significance.

NM_001171.6(ABCC6):c.3739C>A (p.Pro1247Thr)

Gene: ABCC6 (ATP binding cassette subfamily C member 6; minus strand). Cytogenetic location: 16p13.11.
Variant type: single nucleotide variant.
Coding change: c.3739C>A on transcript NM_001171.6 (MANE Select); coding-DNA position 3739, C replaced by A.
Protein change: p.Pro1247Thr; replaces proline 1247 with threonine.
Molecular consequence: missense variant. On other transcripts: non-coding transcript variant (1).
Genome position (GRCh38, 1-based): chr16:16,157,806, G>T on the plus strand (C>A on the coding strand, the complement: ABCC6 is on the minus strand). VCF-style: chr16-16157806-G-T. GRCh37 (hg19) VCF-style: chr16-16251663-G-T.
Other names: c.3397C>A, p.Pro1133Thr (NM_001351800.1); short protein forms P1247T, P1133T.
Identifiers: ClinVar variation 1427383 (VCV001427383.6), dbSNP rs199694536, ClinGen allele CA7925432.